The following is an entry in ClinVar:

ClinVar aggregate classification (germline): Uncertain significance (1 of 4 stars; one submission).

Conditions:
Diffuse cerebral and cerebellar atrophy - intractable seizures - progressive microcephaly syndrome. Also called: Microcephaly, progressive, with seizures and cerebral and cerebellar atrophy. Identifiers: Orphanet 404437, MedGen C4014239, MONDO:0014335, OMIM 615760.

Allele frequency attached by ClinVar (database versions not stated): TOPMed below 0.00001; gnomAD 0.00001.
gnomAD v4.1: 2 of 1,610,408 alleles (0.00012%); highest among the groups gnomAD compares: Non-Finnish European, 0.00017%; no homozygotes.

Submission:

Labcorp Genetics (formerly Invitae), Labcorp
Classification: Uncertain significance for Diffuse cerebral and cerebellar atrophy - intractable seizures - progressive microcephaly syndrome. Last evaluated: 2018-11-08. Review status: criteria provided, single submitter. Criteria: Invitae Variant Classification Sherloc (09022015). Collection method: clinical testing. Allele origin: germline.
Comment: Algorithms developed to predict the effect of missense changes on protein structure and function are either unavailable or do not agree on the potential impact of this missense change (SIFT: "Deleterious"; PolyPhen-2: "Probably Damaging"; Align-GVGD: "Class C0"). In summary, the available evidence is currently insufficient to determine the role of this variant in disease. Therefore, it has been classified as a Variant of Uncertain Significance. This variant has not been reported in the literature in individuals with QARS-related disease. This variant is not present in population databases (ExAC no frequency). This sequence change replaces glutamic acid with lysine at codon 22 of the QARS protein (p.Glu22Lys). The glutamic acid residue is highly conserved and there is a small physicochemical difference between glutamic acid and lysine.

NM_005051.3(QARS1):c.64G>A (p.Glu22Lys)

Genes: QARS1 (glutaminyl-tRNA synthetase 1; minus strand), LOC129936736 (ATAC-STARR-seq lymphoblastoid active region 19853; plus strand). Cytogenetic location: 3p21.31.
Variant type: single nucleotide variant.
Coding change: c.64G>A on transcript NM_005051.3 (MANE Select); coding-DNA position 64, G replaced by A.
Protein change: p.Glu22Lys; replaces glutamic acid 22 with lysine.
Molecular consequence: missense variant. On other transcripts: non-coding transcript variant (1).
Genome position (GRCh38, 1-based): chr3:49,104,670, C>T on the plus strand (G>A on the coding strand, the complement: QARS1 is on the minus strand). VCF-style: chr3-49104670-C-T. GRCh37 (hg19) VCF-style: chr3-49142103-C-T.
Other names: c.64G>A, p.Glu22Lys (NM_001272073.2); short protein forms E22K.
Identifiers: ClinVar variation 1064355 (VCV001064355.5), dbSNP rs2042517058, ClinGen allele CA352723915.